The following is an entry in ClinVar:

ClinVar aggregate classification (germline): Uncertain significance (1 of 4 stars; one submission).

Allele frequency attached by ClinVar (database versions not stated): gnomAD 0.00001; TOPMed 0.00001; ExAC 0.00008; ESP Exome Variant Server 0.00008.
gnomAD v4.1: 4 of 1,518,722 alleles (0.00026%); highest among the groups gnomAD compares: Non-Finnish European, 0.00035%; no homozygotes.

Submission:

Ambry Genetics
Classification: Uncertain significance. Last evaluated: 2025-08-30. Review status: criteria provided, single submitter. Criteria: Ambry Variant Classification Scheme 2023. Collection method: clinical testing. Allele origin: germline.
Comment: The p.E96K variant (also known as c.286G>A), located in coding exon 1 of the GALNT12 gene, results from a G to A substitution at nucleotide position 286. The glutamic acid at codon 96 is replaced by lysine, an amino acid with similar properties. This amino acid position is highly conserved in available vertebrate species. In addition, this alteration is predicted to be tolerated by in silico analysis. Since supporting evidence is limited at this time, the clinical significance of this alteration remains unclear.

NM_024642.5(GALNT12):c.286G>A (p.Glu96Lys)

Gene: GALNT12 (polypeptide N-acetylgalactosaminyltransferase 12; plus strand). Cytogenetic location: 9q22.33.
Variant type: single nucleotide variant.
Coding change: c.286G>A on transcript NM_024642.5 (MANE Select); coding-DNA position 286, G replaced by A.
Protein change: p.Glu96Lys; replaces glutamic acid 96 with lysine.
Molecular consequence: missense variant.
Genome position (GRCh38, 1-based): chr9:98,807,984, G>A. VCF-style: chr9-98807984-G-A. GRCh37 (hg19) VCF-style: chr9-101570266-G-A.
Other names: short protein forms E96K.
Identifiers: ClinVar variation 1797042 (VCV001797042.4), dbSNP rs372282217, ClinGen allele CA5153902.